The following is an entry in ClinVar:

ClinVar aggregate classification (germline): Uncertain significance. Review status: criteria provided, multiple submitters, no conflicts (2 of 4 stars). 2 submissions from 2 submitters: Uncertain significance (2). Last evaluated 2025-12-09.

Conditions:
Hypomagnesemia 7, renal, with or without dilated cardiomyopathy (HOMG7). Identifiers: MedGen C5774266, MONDO:0859328, OMIM 620152.
Inborn genetic diseases. Identifiers: MedGen C0950123, MeSH D030342.

Allele frequency attached by ClinVar (database versions not stated): gnomAD 0.00009; gnomAD exomes 0.00014; TOPMed 0.00009; ExAC 0.00012; ESP Exome Variant Server 0.00008; 1000 Genomes Project 30x 0.00016; 1000 Genomes Project 0.00020.
gnomAD v4.1: 203 of 1,544,708 alleles (0.013%); highest among the groups gnomAD compares: Non-Finnish European, 0.017%; no homozygotes.

Submissions (2):

Dasa
Classification: Uncertain significance for hypomagnesemia 7, renal, with or without dilated cardiomyopathy. Last evaluated: 2025-12-09. Review status: criteria provided, single submitter. Criteria: DASA Assertion Criteria. Collection method: clinical testing. Allele origin: germline.
Comment: NM_021244.5(RRAGD):c.107A>G (p.Asp36Gly) is a missense variant that results in the substitution of aspartic acid with glycine. This variant is rare in population databases. Computational prediction algorithms are consistent with a benign effect. The currently available literature and clinical evidence are not sufficient to establish a definitive association between this variant and the reported condition. Therefore, this variant is classified as a variant of uncertain significance.

Ambry Genetics
Classification: Uncertain significance for Inborn genetic diseases. Last evaluated: 2025-08-01. Review status: criteria provided, single submitter. Criteria: Ambry Variant Classification Scheme 2023. Collection method: clinical testing. Allele origin: germline.

NM_021244.5(RRAGD):c.107A>G (p.Asp36Gly)

Genes: RRAGD (Ras related GTP binding D; minus strand), LOC129996831 (ATAC-STARR-seq lymphoblastoid silent region 17394; plus strand). Cytogenetic location: 6q15.
Variant type: single nucleotide variant.
Coding change: c.107A>G on transcript NM_021244.5 (MANE Select); coding-DNA position 107, A replaced by G.
Protein change: p.Asp36Gly; replaces aspartic acid 36 with glycine.
Molecular consequence: missense variant.
Genome position (GRCh38, 1-based): chr6:89,411,887, T>C on the plus strand (A>G on the coding strand, the complement: RRAGD is on the minus strand). VCF-style: chr6-89411887-T-C. GRCh37 (hg19) VCF-style: chr6-90121606-T-C.
Other names: short protein forms D36G.
Identifiers: ClinVar variation 2334036 (VCV002334036.5), dbSNP rs376790069, ClinGen allele CA3920985.